The following is an entry in ClinVar:

ClinVar aggregate classification (germline): Uncertain significance (1 of 4 stars; one submission).

Conditions:
Hereditary cancer-predisposing syndrome. Also called: Hereditary neoplastic syndrome; Neoplastic Syndromes, Hereditary; Tumor predisposition; Hereditary Cancer Syndrome. Identifiers: Orphanet 140162, MedGen C0027672, MeSH D009386, MONDO:0015356.

Submission:

Ambry Genetics
Classification: Uncertain significance for Hereditary cancer-predisposing syndrome. Last evaluated: 2025-06-27. Review status: criteria provided, single submitter. Criteria: Ambry Variant Classification Scheme 2023. Collection method: clinical testing. Allele origin: germline.
Comment: The c.124+4G>C intronic variant results from a G to C substitution 4 nucleotides after coding exon 2 in the POT1 gene. This nucleotide position is not well conserved in available vertebrate species. In silico splice site analysis predicts that this alteration will not have any significant effect on splicing. Based on the available evidence, the clinical significance of this variant remains unclear.

NM_015450.3(POT1):c.124+4G>C

Gene: POT1 (protection of telomeres 1; minus strand). Cytogenetic location: 7q31.33.
Variant type: single nucleotide variant.
Coding change: c.124+4G>C on transcript NM_015450.3 (MANE Select); 4 bases into the intron after coding-DNA position 124, G replaced by C.
Molecular consequence: intron variant.
Genome position (GRCh38, 1-based): chr7:124,892,262, C>G on the plus strand (G>C on the coding strand, the complement: POT1 is on the minus strand). VCF-style: chr7-124892262-C-G. GRCh37 (hg19) VCF-style: chr7-124532316-C-G.
Other names: c.-139+4G>C (NM_001042594.2).
Identifiers: ClinVar variation 4141918 (VCV004141918.1).